The following is an entry in ClinVar:

ClinVar aggregate classification (germline): Uncertain significance (1 of 4 stars; one submission).

Conditions:
Familial thoracic aortic aneurysm and aortic dissection (TAAD). Also called: Thoracic aortic aneurysms and dissections. Identifiers: Orphanet 91387, MedGen C4707243, MONDO:0019625.

gnomAD v4.1: 1 of 1,614,190 alleles (0.000062%); highest among the groups gnomAD compares: Non-Finnish European, 0.000085%; no homozygotes.

Submission:

Ambry Genetics
Classification: Uncertain significance for Familial thoracic aortic aneurysm and aortic dissection. Last evaluated: 2025-12-17. Review status: criteria provided, single submitter. Criteria: Ambry Variant Classification Scheme 2023. Collection method: clinical testing. Allele origin: germline.
Comment: The p.R1234T variant (also known as c.3701G>C), located in coding exon 29 of the FBN1 gene, results from a G to C substitution at nucleotide position 3701. The arginine at codon 1234 is replaced by threonine, an amino acid with similar properties. This variant was reported in individual(s) with features consistent with thoracic aortic aneurysm or dissection; however, details were limited (Arnaud P et al. Genet Med, 2019 Sep;21:2015-2024). This amino acid position is highly conserved in available vertebrate species. In addition, this alteration is predicted to be deleterious by in silico analysis. Based on the available evidence, the clinical significance of this variant remains unclear.

Literature cited by the submitters: PubMed 30739908.

NM_000138.5(FBN1):c.3701G>C (p.Arg1234Thr)

Gene: FBN1 (fibrillin 1; minus strand). Cytogenetic location: 15q21.1.
Variant type: single nucleotide variant.
Coding change: c.3701G>C on transcript NM_000138.5 (MANE Select); coding-DNA position 3701, G replaced by C.
Protein change: p.Arg1234Thr; replaces arginine 1234 with threonine.
Molecular consequence: missense variant.
Genome position (GRCh38, 1-based): chr15:48,485,385, C>G on the plus strand (G>C on the coding strand, the complement: FBN1 is on the minus strand). VCF-style: chr15-48485385-C-G. GRCh37 (hg19) VCF-style: chr15-48777582-C-G.
Other names: c.3701G>C, p.Arg1234Thr (NM_001406716.1); short protein forms R1234T.
Identifiers: ClinVar variation 4843835 (VCV004843835.1).